The following is an entry in ClinVar:

Single allele

Gene: PRKN (parkin RBR E3 ubiquitin protein ligase; minus strand). Cytogenetic location: 6q26.
Variant type: Duplication.
Identifiers: ClinVar variation 560094 (VCV000560094.3).

ClinVar aggregate classification (germline): Uncertain significance (1 of 4 stars; one submission).

Submission:

Geisinger Autism and Developmental Medicine Institute, Geisinger Health System
Classification: Uncertain significance. Last evaluated: 2017-10-31. Review status: criteria provided, single submitter. Criteria: ACMG CNV Guidelines, 2011. Collection method: provider interpretation. Allele origin: paternal.
Comment: This 259 kilobase duplication includes a portion of the PARK2 gene. The PARK2 gene is associated with autosomal recessive juvenile parkison disease type 2. Copy number variants (deletions and duplications) including PARK2 have been reported at a higher prevalence in individuals with ADHD compared to controls, suggesting deletions and duplications of PARK2 may be associated with increased susceptibility of ADHD (Jarick et al. 2014). Deletions and duplications including PARK2 have been suggested as a possible genetic suscpetibility of autism spectrum disorder (Glessner et al. 2009; Yin et al. 2016). A duplication also has been identified in an individual with cognitive impairments who is underweight and has short stature (Scheuerle & Wilson 2011). PARK2 partial gene duplications have been reported in DECIPHER in individuals with intellectual disability and behavioral abnormalities (279450; 279451). PARK2 copy number variants have also been identified in control populations (nsv605163; nsv605167; nsv1034495; nsv1021711; nsv1019976). Based on the relatively low number of patients reported in the literature and the presence of duplications and deletions in healthy controls/unaffected parents, further evidence is needed to definitively classify this variant.

Literature cited by the submitters: PubMed 19404257; PubMed 23164820; PubMed 27042285; PubMed 21360662.